The following is an entry in ClinVar:

NM_001036.6(RYR3):c.9529C>G (p.Leu3177Val)

Gene: RYR3 (ryanodine receptor 3; plus strand). Cytogenetic location: 15q14.
Variant type: single nucleotide variant.
Coding change: c.9529C>G on transcript NM_001036.6 (MANE Select); coding-DNA position 9529, C replaced by G.
Protein change: p.Leu3177Val; replaces leucine 3177 with valine.
Molecular consequence: missense variant.
Genome position (GRCh38, 1-based): chr15:33,785,922, C>G. VCF-style: chr15-33785922-C-G. GRCh37 (hg19) VCF-style: chr15-34078123-C-G.
Other names: c.9529C>G, p.Leu3177Val (NM_001243996.4); short protein forms L3177V.
Identifiers: ClinVar variation 842225 (VCV000842225.9), dbSNP rs555061771, ClinGen allele CA391590807.
Genomic context (GRCh38, chr15:33,785,922, plus strand): 5'-ACAGGGCCATGCTGCACCAAGGTCACCTCTGAACACCTCAGTCTCATCCTGGGCAACATT[C>G]TGAAAATCATCAACAACAACCTGGGCATCGATGAGGCCTCCTGGATGAAGCGCATTGCAG-3'
Protein context (NP_001027.3, residues 3167-3187): EHLSLILGNI[Leu3177Val]KIINNNLGID

ClinVar aggregate classification (germline): Uncertain significance (1 of 4 stars; one submission).

Conditions:
Epileptic encephalopathy. Identifiers: MedGen C0543888, HP:0200134.

Submission:

Labcorp Genetics (formerly Invitae), Labcorp
Classification: Uncertain significance for Epileptic encephalopathy. Last evaluated: 2019-02-07. Review status: criteria provided, single submitter. Criteria: Invitae Variant Classification Sherloc (09022015). Collection method: clinical testing. Allele origin: germline.
Comment: This sequence change replaces leucine with valine at codon 3177 of the RYR3 protein (p.Leu3177Val). The leucine residue is highly conserved and there is a small physicochemical difference between leucine and valine. This variant is not present in population databases (ExAC no frequency). This variant has not been reported in the literature in individuals with RYR3-related conditions. Algorithms developed to predict the effect of missense changes on protein structure and function are either unavailable or do not agree on the potential impact of this missense change (SIFT: "Deleterious"; PolyPhen-2: "Probably Damaging"; Align-GVGD: "Class C0"). In summary, the available evidence is currently insufficient to determine the role of this variant in disease. Therefore, it has been classified as a Variant of Uncertain Significance.